The following is an entry in ClinVar:

ClinVar aggregate classification (germline): Likely benign (1 of 4 stars; one submission).

Submission:

CeGaT Center for Human Genetics Tuebingen
Classification: Likely benign. Last evaluated: 2025-08-01. Review status: criteria provided, single submitter. Criteria: CeGaT Center For Human Genetics Tuebingen Variant Classification Criteria Version 2. Collection method: clinical testing. Allele origin: germline. Affected: yes. Observed: 1 variant allele.
Comment: APC: PM2:Supporting, BP4, BP7

NM_000038.6(APC):c.4227A>C (p.Pro1409=)

Gene: APC (APC regulator of Wnt signaling pathway; plus strand). Cytogenetic location: 5q22.2.
Variant type: single nucleotide variant.
Coding change: c.4227A>C on transcript NM_000038.6 (MANE Select); coding-DNA position 4227, A replaced by C.
Protein change: p.Pro1409=; no amino-acid change (proline 1409 retained).
Molecular consequence: synonymous variant. On other transcripts: non-coding transcript variant (2).
Genome position (GRCh38, 1-based): chr5:112,839,821, A>C. VCF-style: chr5-112839821-A-C. GRCh37 (hg19) VCF-style: chr5-112175518-A-C.
Other names: c.4227A>C, p.Pro1409= (NM_001127510.3, NM_001354895.2, NM_001407450.1); c.4173A>C, p.Pro1391= (NM_001127511.3); c.4281A>C, p.Pro1427= (NM_001354896.2, NM_001407447.1, NM_001407448.1 and 1 more transcripts); c.4257A>C, p.Pro1419= (NM_001354897.2); c.4152A>C, p.Pro1384= (NM_001354898.2); c.4143A>C, p.Pro1381= (NM_001354899.2); c.4104A>C, p.Pro1368= (NM_001354900.2); c.4050A>C, p.Pro1350= (NM_001354901.2, NM_001407453.1); and 11 more.
Identifiers: ClinVar variation 4085711 (VCV004085711.8).